The following is an entry in ClinVar:

NM_001130987.2(DYSF):c.4924A>G (p.Ile1642Val)

Gene: DYSF (dysferlin; plus strand). Cytogenetic location: 2p13.2.
Variant type: single nucleotide variant.
Coding change: c.4924A>G on transcript NM_001130987.2 (MANE Select); coding-DNA position 4924, A replaced by G.
Protein change: p.Ile1642Val; replaces isoleucine 1642 with valine.
Molecular consequence: missense variant.
Genome position (GRCh38, 1-based): chr2:71,660,572, A>G. VCF-style: chr2-71660572-A-G. GRCh37 (hg19) VCF-style: chr2-71887702-A-G.
Other names: c.4810A>G, p.Ile1604Val (NM_001130455.2); c.4765A>G, p.Ile1589Val (NM_001130976.2); c.4828A>G, p.Ile1610Val (NM_001130977.2); c.4870A>G, p.Ile1624Val (NM_001130978.2); c.4900A>G, p.Ile1634Val (NM_001130979.2); c.4858A>G, p.Ile1620Val (NM_001130980.2); c.4921A>G, p.Ile1641Val (NM_001130981.2); c.4903A>G, p.Ile1635Val (NM_001130982.2); and 5 more; short protein forms I1589V, I1590V, I1603V, I1604V, I1610V, I1611V, I1620V, I1621V.
Identifiers: ClinVar variation 1713869 (VCV001713869.5), dbSNP rs2546505903, ClinGen allele CA347219959.

ClinVar aggregate classification (germline): Uncertain significance (1 of 4 stars; one submission).

Conditions:
Neuromuscular disease caused by qualitative or quantitative defects of dysferlin. Also called: Qualitative or quantitative defects of dysferlin; Dysferlinopathy. Identifiers: Orphanet 207073, MedGen C2931687, MONDO:0016145.

Submission:

Labcorp Genetics (formerly Invitae), Labcorp
Classification: Uncertain significance for Neuromuscular disease caused by qualitative or quantitative defects of dysferlin. Last evaluated: 2022-07-26. Review status: criteria provided, single submitter. Criteria: Invitae Variant Classification Sherloc (09022015). Collection method: clinical testing. Allele origin: germline.
Comment: This sequence change replaces isoleucine, which is neutral and non-polar, with valine, which is neutral and non-polar, at codon 1603 of the DYSF protein (p.Ile1603Val). This variant is not present in population databases (gnomAD no frequency). This variant has not been reported in the literature in individuals affected with DYSF-related conditions. Advanced modeling of protein sequence and biophysical properties (such as structural, functional, and spatial information, amino acid conservation, physicochemical variation, residue mobility, and thermodynamic stability) performed at Invitae indicates that this missense variant is not expected to disrupt DYSF protein function. In summary, the available evidence is currently insufficient to determine the role of this variant in disease. Therefore, it has been classified as a Variant of Uncertain Significance.